The following is an entry in ClinVar:

ClinVar aggregate classification (germline): Likely benign. Review status: criteria provided, multiple submitters, no conflicts (2 of 4 stars). 3 submissions from 3 submitters: Likely benign (2). 1 of the submissions does not count toward it. Last evaluated 2026-09-01.

Conditions:
OGDHL-related disorder. Also called: OGDHL-related condition.

Allele frequency attached by ClinVar (database versions not stated): 1000 Genomes Project 30x 0.00047; 1000 Genomes Project 0.00060; ExAC 0.00178; gnomAD 0.00199; ESP Exome Variant Server 0.00238.
gnomAD v4.1: 4,169 of 1,612,692 alleles (0.26%); highest among the groups gnomAD compares: Non-Finnish European, 0.32%; 7 homozygotes.

Submissions (3):

CeGaT Center for Human Genetics Tuebingen
Classification: Likely benign. Last evaluated: 2026-09-01. Review status: criteria provided, single submitter. Criteria: CeGaT Center For Human Genetics Tuebingen Variant Classification Criteria Version 2. Collection method: clinical testing. Allele origin: germline. Affected: yes. Observed: 2 variant alleles.
Comment: OGDHL: BP4, BS1

Blueprint Genetics
Classification: Likely benign. Last evaluated: 2024-11-08. Review status: criteria provided, single submitter. Criteria: ACMG Guidelines, 2015. Collection method: clinical testing. Allele origin: germline.

PreventionGenetics, part of Exact Sciences
Classification: Likely benign for OGDHL-related condition. Last evaluated: 2019-03-18. Review status: no assertion criteria provided. Collection method: clinical testing. Allele origin: germline. Not counted in ClinVar's aggregate classification.
Comment: This variant is classified as likely benign based on ACMG/AMP sequence variant interpretation guidelines (Richards et al. 2015 PMID: 25741868, with internal and published modifications).

NM_018245.3(OGDHL):c.192G>A (p.Gln64=)

Gene: OGDHL (oxoglutarate dehydrogenase L; minus strand). Cytogenetic location: 10q11.23.
Variant type: single nucleotide variant.
Coding change: c.192G>A on transcript NM_018245.3 (MANE Select); coding-DNA position 192, G replaced by A.
Protein change: p.Gln64=; no amino-acid change (glutamine 64 retained).
Molecular consequence: synonymous variant. On other transcripts: 5 prime UTR variant (3), non-coding transcript variant (4), intron variant (2).
Genome position (GRCh38, 1-based): chr10:49,758,401, C>T on the plus strand (G>A on the coding strand, the complement: OGDHL is on the minus strand). VCF-style: chr10-49758401-C-T. GRCh37 (hg19) VCF-style: chr10-50966447-C-T.
Other names: c.192G>A, p.Gln64= (NM_001143996.2, NM_001347819.1, NM_001347820.1 and 2 more transcripts); c.-747G>A (NM_001347821.2, NM_001347825.2); c.-735G>A (NM_001347826.1); c.-253+3932G>A (NM_001347822.1); c.-253+3838G>A (NM_001143997.2).
Identifiers: ClinVar variation 3042082 (VCV003042082.7), dbSNP rs145621276, ClinGen allele CA5499029.